The following is an entry in ClinVar:

NM_170707.4(LMNA):c.810+12C>T

Gene: LMNA (lamin A/C; plus strand). Cytogenetic location: 1q22.
Variant type: single nucleotide variant.
Coding change: c.810+12C>T on transcript NM_170707.4 (MANE Select); 12 bases into the intron after coding-DNA position 810, C replaced by T.
Molecular consequence: intron variant.
Genome position (GRCh38, 1-based): chr1:156,134,987, C>T. VCF-style: chr1-156134987-C-T. GRCh37 (hg19) VCF-style: chr1-156104778-C-T.
Other names: c.810+12C>T (NM_001282625.2, NM_001282626.2, NM_170708.4 and 1 more transcripts); c.474+12C>T (NM_001257374.3); c.567+12C>T (NM_001282624.2).
Identifiers: ClinVar variation 200926 (VCV000200926.10), dbSNP rs746914371, ClinGen allele CA018676.

ClinVar aggregate classification (germline): Benign/Likely benign. Review status: criteria provided, multiple submitters, no conflicts (2 of 4 stars). 4 submissions from 4 submitters: Benign (1); Likely benign (3). Last evaluated 2025-03-17.

Conditions:
Charcot-Marie-Tooth disease type 2. Also called: Charcot-Marie-Tooth type 2. Identifiers: Orphanet 64746, MedGen C0270914, MONDO:0018993.
Charcot-Marie-Tooth disease. Also called: Charcot-Marie-Tooth Neuropathy; Charcot-Marie-Tooth Hereditary Neuropathy. Identifiers: Orphanet 166, MedGen C0007959, MONDO:0015626.

Allele frequency attached by ClinVar (database versions not stated): ExAC 0.00001; gnomAD exomes 0.00001 and 0.00002.
gnomAD v4.1: 14 of 1,614,092 alleles (0.00087%); highest among the groups gnomAD compares: South Asian, 0.0011%; no homozygotes.

Submissions (4):

Labcorp Genetics (formerly Invitae), Labcorp
Classification: Likely benign for Charcot-Marie-Tooth disease type 2. Last evaluated: 2025-03-17. Review status: criteria provided, single submitter. Criteria: Invitae Variant Classification Sherloc (09022015). Collection method: clinical testing. Allele origin: germline.

Blueprint Genetics
Classification: Likely benign. Last evaluated: 2023-10-30. Review status: criteria provided, single submitter. Criteria: ACMG Guidelines, 2015. Collection method: clinical testing. Allele origin: germline.

GeneDx
Classification: Benign. Last evaluated: 2014-06-26. Review status: criteria provided, single submitter. Criteria: GeneDx Variant Classification (06012015). Collection method: clinical testing. Allele origin: germline. Affected: yes.
Comment: This variant is considered likely benign or benign based on one or more of the following criteria: it is a conservative change, it occurs at a poorly conserved position in the protein, it is predicted to be benign by multiple in silico algorithms, and/or has population frequency not consistent with disease.

Molecular Genetics Laboratory, London Health Sciences Centre
Classification: Likely benign for Charcot-Marie-Tooth disease. Review status: criteria provided, single submitter. Criteria: ACMG Guidelines, 2015. Collection method: clinical testing. Allele origin: germline. Affected: yes.